The following is an entry in ClinVar:

ClinVar aggregate classification (germline): Conflicting classifications of pathogenicity. Review status: criteria provided, conflicting classifications (1 of 4 stars). 3 submissions from 3 submitters: Uncertain significance (2); Likely benign (1). Last evaluated 2026-07-01.

Conditions:
Saldino-Mainzer syndrome (SRTD9). Also called: short-rib thoracic dysplasia 9 with or without polydactyly; Renal dysplasia, retinal pigmentary dystrophy, cerebellar ataxia and skeletal dysplasia; CONORENAL SYNDROME; SHORT-RIB THORACIC DYSPLASIA 9 WITHOUT POLYDACTYLY. Identifiers: Orphanet 140969, MedGen C1849437, MONDO:0009964, OMIM 266920.

Allele frequency attached by ClinVar (database versions not stated): gnomAD exomes 0.00003 and 0.00007; ExAC 0.00008; ESP Exome Variant Server 0.00008; TOPMed 0.00012; gnomAD 0.00015 and 0.00016; 1000 Genomes Project 30x 0.00016; 1000 Genomes Project 0.00020.
gnomAD v4.1: 63 of 1,614,224 alleles (0.0039%); highest among the groups gnomAD compares: African/African-American, 0.051%; no homozygotes.

Submissions (3):

CeGaT Center for Human Genetics Tuebingen
Classification: Uncertain significance. Last evaluated: 2026-07-01. Review status: criteria provided, single submitter. Criteria: CeGaT Center For Human Genetics Tuebingen Variant Classification Criteria Version 2. Collection method: clinical testing. Allele origin: germline. Affected: yes. Observed: 1 variant allele.
Comment: IFT140: PM2

Labcorp Genetics (formerly Invitae), Labcorp
Classification: Likely benign for Saldino-Mainzer syndrome. Last evaluated: 2025-12-16. Review status: criteria provided, single submitter. Criteria: Invitae Variant Classification Sherloc (09022015). Collection method: clinical testing. Allele origin: germline.

Blueprint Genetics
Classification: Uncertain significance. Last evaluated: 2022-08-08. Review status: criteria provided, single submitter. Criteria: ACMG Guidelines, 2015. Collection method: clinical testing. Allele origin: germline.

NM_014714.4(IFT140):c.3718G>A (p.Val1240Met)

Gene: IFT140 (intraflagellar transport 140; minus strand). Cytogenetic location: 16p13.3.
Variant type: single nucleotide variant.
Coding change: c.3718G>A on transcript NM_014714.4 (MANE Select); coding-DNA position 3718, G replaced by A.
Protein change: p.Val1240Met; replaces valine 1240 with methionine.
Molecular consequence: missense variant.
Genome position (GRCh38, 1-based): chr16:1,520,286, C>T on the plus strand (G>A on the coding strand, the complement: IFT140 is on the minus strand). VCF-style: chr16-1520286-C-T. GRCh37 (hg19) VCF-style: chr16-1570287-C-T.
Other names: short protein forms V1240M.
Identifiers: ClinVar variation 1407515 (VCV001407515.10), dbSNP rs114611454, ClinGen allele CA7813047.